The following is an entry in ClinVar:

ClinVar aggregate classification (germline): Uncertain significance. Review status: criteria provided, multiple submitters, no conflicts (2 of 4 stars). 5 submissions from 5 submitters: Uncertain significance (5). Last evaluated 2025-07-14.

Conditions:
Cardiovascular phenotype. Identifiers: MedGen CN230736.
Arrhythmogenic right ventricular dysplasia 5. Also called: ARRHYTHMOGENIC RIGHT VENTRICULAR DYSPLASIA, FAMILIAL, 5; Arrhythmogenic Right Ventricular Dysplasia/Cardiomyopathy 5. Identifiers: MedGen C1858379, MONDO:0011459, OMIM 604400.
Cardiomyopathy (CMYO). Also called: Cardiomyopathies. Identifiers: Orphanet 167848, MedGen C0878544, MONDO:0004994, HP:0001638. Inheritance: Various modes of inheritance.

Allele frequency attached by ClinVar (database versions not stated): ExAC 0.00001; TOPMed 0.00001; gnomAD 0.00002 and 0.00003; gnomAD exomes 0.00002 and 0.00003; 1000 Genomes Project 30x 0.00016; 1000 Genomes Project 0.00020.
gnomAD v4.1: 37 of 1,613,476 alleles (0.0023%); highest among the groups gnomAD compares: Middle Eastern, 0.016%; no homozygotes.

Submissions (5):

Ambry Genetics
Classification: Uncertain significance for Cardiovascular phenotype. Last evaluated: 2025-07-14. Review status: criteria provided, single submitter. Criteria: Ambry Variant Classification Scheme 2023. Collection method: clinical testing. Allele origin: germline.

Labcorp Genetics (formerly Invitae), Labcorp
Classification: Uncertain significance for Arrhythmogenic right ventricular dysplasia 5. Last evaluated: 2024-12-31. Review status: criteria provided, single submitter. Criteria: Invitae Variant Classification Sherloc (09022015). Collection method: clinical testing. Allele origin: germline.
Comment: This sequence change replaces arginine, which is basic and polar, with glutamine, which is neutral and polar, at codon 11 of the TMEM43 protein (p.Arg11Gln). This variant is present in population databases (rs568179990, gnomAD 0.003%). This variant has not been reported in the literature in individuals affected with TMEM43-related conditions. ClinVar contains an entry for this variant (Variation ID: 343499). An algorithm developed to predict the effect of missense changes on protein structure and function (PolyPhen-2) suggests that this variant¬†is likely to be tolerated. In summary, the available evidence is currently insufficient to determine the role of this variant in disease. Therefore, it has been classified as a Variant of Uncertain Significance.

GeneDx
Classification: Uncertain significance. Last evaluated: 2024-04-23. Review status: criteria provided, single submitter. Criteria: GeneDx Variant Classification Process June 2021. Collection method: clinical testing. Allele origin: germline. Affected: yes.
Comment: In silico analysis indicates that this missense variant does not alter protein structure/function; Has not been previously published as pathogenic or benign to our knowledge

All of Us Research Program, National Institutes of Health
Classification: Uncertain significance for Arrhythmogenic right ventricular dysplasia 5. Last evaluated: 2024-03-24. Review status: criteria provided, single submitter. Criteria: ACMG Guidelines, 2015. Collection method: clinical testing. Allele origin: germline. Inheritance: Autosomal dominant inheritance. Observed: 13 variant alleles, 13 heterozygotes.
Comment: This missense variant replaces arginine with glutamine at codon 11 of the TMEM43 protein. Computational prediction suggests that this variant may not impact protein structure and function (internally defined REVEL score threshold <= 0.5, PMID: 27666373). To our knowledge, functional studies have not been reported for this variant. This variant has not been reported in individuals affected with cardiovascular disorders in the literature. This variant has been identified in 8/282702 chromosomes in the general population by the Genome Aggregation Database (gnomAD). The available evidence is insufficient to determine the role of this variant in disease conclusively. Therefore, this variant is classified as a Variant of Uncertain Significance.

This study involves interpretation of variants in research participants for the purpose of population health screening. Participant phenotype was not available at the time of variant classification. Additional details can be found in publication PMID: 35346344, PMCID: PMC8962531

Color Diagnostics, LLC DBA Color Health
Classification: Uncertain significance for Cardiomyopathy. Last evaluated: 2024-03-06. Review status: criteria provided, single submitter. Criteria: ACMG Guidelines, 2015. Collection method: clinical testing. Allele origin: germline.
Comment: This missense variant replaces arginine with glutamine at codon 11 of the TMEM43 protein. Computational prediction suggests that this variant may not impact protein structure and function (internally defined REVEL score threshold <= 0.5, PMID: 27666373). To our knowledge, functional studies have not been reported for this variant. This variant has not been reported in individuals affected with cardiovascular disorders in the literature. This variant has been identified in 8/282702 chromosomes in the general population by the Genome Aggregation Database (gnomAD). The available evidence is insufficient to determine the role of this variant in disease conclusively. Therefore, this variant is classified as a Variant of Uncertain Significance.

NM_024334.3(TMEM43):c.32G>A (p.Arg11Gln)

Gene: TMEM43 (transmembrane protein 43; plus strand). Cytogenetic location: 3p25.1.
Variant type: single nucleotide variant.
Coding change: c.32G>A on transcript NM_024334.3 (MANE Select); coding-DNA position 32, G replaced by A.
Protein change: p.Arg11Gln; replaces arginine 11 with glutamine.
Molecular consequence: missense variant.
Genome position (GRCh38, 1-based): chr3:14,129,431, G>A. VCF-style: chr3-14129431-G-A. GRCh37 (hg19) VCF-style: chr3-14170931-G-A.
Other names: short protein forms R11Q.
Identifiers: ClinVar variation 343499 (VCV000343499.19), dbSNP rs568179990, ClinGen allele CA052949.